The following is an entry in ClinVar:

ClinVar aggregate classification (germline): Uncertain significance (1 of 4 stars; one submission).

Allele frequency attached by ClinVar (database versions not stated): gnomAD exomes below 0.00001; TOPMed below 0.00001; gnomAD 0.00001.
gnomAD v4.1: 3 of 1,613,688 alleles (0.00019%); highest among the groups gnomAD compares: Non-Finnish European, 0.00025%; no homozygotes.

Submission:

Labcorp Genetics (formerly Invitae), Labcorp
Classification: Uncertain significance. Last evaluated: 2020-11-17. Review status: criteria provided, single submitter. Criteria: Invitae Variant Classification Sherloc (09022015). Collection method: clinical testing. Allele origin: germline.
Comment: This sequence change replaces asparagine with histidine at codon 26 of the RPS29 protein (p.Asn26His). The asparagine residue is highly conserved and there is a small physicochemical difference between asparagine and histidine. This variant is not present in population databases (ExAC no frequency). This variant has not been reported in the literature in individuals with RPS29-related conditions. Algorithms developed to predict the effect of missense changes on protein structure and function (SIFT, PolyPhen-2, Align-GVGD) all suggest that this variant is likely to be tolerated, but these predictions have not been confirmed by published functional studies and their clinical significance is uncertain. In summary, the available evidence is currently insufficient to determine the role of this variant in disease. Therefore, it has been classified as a Variant of Uncertain Significance.

NM_001032.5(RPS29):c.76A>C (p.Asn26His)

Gene: RPS29 (ribosomal protein S29; minus strand). Cytogenetic location: 14q21.3.
Variant type: single nucleotide variant.
Coding change: c.76A>C on transcript NM_001032.5 (MANE Select); coding-DNA position 76, A replaced by C.
Protein change: p.Asn26His; replaces asparagine 26 with histidine.
Molecular consequence: missense variant.
Genome position (GRCh38, 1-based): chr14:49,586,036, T>G on the plus strand (A>C on the coding strand, the complement: RPS29 is on the minus strand). VCF-style: chr14-49586036-T-G. GRCh37 (hg19) VCF-style: chr14-50052754-T-G.
Other names: c.76A>C, p.Asn26His (NM_001030001.4); c.67A>C, p.Asn23His (NM_001351375.2); short protein forms N26H, N23H.
Identifiers: ClinVar variation 1486197 (VCV001486197.8), dbSNP rs1473644722, ClinGen allele CA389755528.